The following is an entry in ClinVar:

NM_014714.4(IFT140):c.4027A>G (p.Ile1343Val)

Gene: IFT140 (intraflagellar transport 140; minus strand). Cytogenetic location: 16p13.3.
Variant type: single nucleotide variant.
Coding change: c.4027A>G on transcript NM_014714.4 (MANE Select); coding-DNA position 4027, A replaced by G.
Protein change: p.Ile1343Val; replaces isoleucine 1343 with valine.
Molecular consequence: missense variant.
Genome position (GRCh38, 1-based): chr16:1,519,894, T>C on the plus strand (A>G on the coding strand, the complement: IFT140 is on the minus strand). VCF-style: chr16-1519894-T-C. GRCh37 (hg19) VCF-style: chr16-1569895-T-C.
Other names: short protein forms I1343V.
Identifiers: ClinVar variation 1019179 (VCV001019179.8), dbSNP rs771070134, ClinGen allele CA394223884.
Genomic context (GRCh38, chr16:1,519,894, plus strand): 5'-GTAGTCACATCTGCCCTGGCCTGTCCCCGCTGGCCCCGGGGGCACACCTGCGGGCCTGGA[T>C]GAACCTCTTCACCAGTGCCATCCTGCTCTGCAGCTGCGCCAGCCTGGTCTCCTGGTCCAG-3'
Protein context (NP_055529.2, residues 1333-1353): QSRMALVKRF[Ile1343Val]QARRTYTEDP

ClinVar aggregate classification (germline): Uncertain significance (1 of 4 stars; one submission).

Conditions:
Saldino-Mainzer syndrome (SRTD9). Also called: CONORENAL SYNDROME; Renal dysplasia, retinal pigmentary dystrophy, cerebellar ataxia and skeletal dysplasia; short-rib thoracic dysplasia 9 with or without polydactyly; SHORT-RIB THORACIC DYSPLASIA 9 WITHOUT POLYDACTYLY. Identifiers: Orphanet 140969, MedGen C1849437, MONDO:0009964, OMIM 266920.

Allele frequency attached by ClinVar (database versions not stated): TOPMed 0.00001.

Submission:

Labcorp Genetics (formerly Invitae), Labcorp
Classification: Uncertain significance for Saldino-Mainzer syndrome. Last evaluated: 2020-07-01. Review status: criteria provided, single submitter. Criteria: Invitae Variant Classification Sherloc (09022015). Collection method: clinical testing. Allele origin: germline.
Comment: In summary, the available evidence is currently insufficient to determine the role of this variant in disease. Therefore, it has been classified as a Variant of Uncertain Significance. Algorithms developed to predict the effect of sequence changes on RNA splicing suggest that this variant may create or strengthen a splice site, but this prediction has not been confirmed by published transcriptional studies. Algorithms developed to predict the effect of missense changes on protein structure and function (SIFT, PolyPhen-2, Align-GVGD) all suggest that this variant is likely to be tolerated, but these predictions have not been confirmed by published functional studies and their clinical significance is uncertain. This variant has not been reported in the literature in individuals with IFT140-related conditions. This variant is not present in population databases (ExAC no frequency). This sequence change replaces isoleucine with valine at codon 1343 of the IFT140 protein (p.Ile1343Val). The isoleucine residue is weakly conserved and there is a small physicochemical difference between isoleucine and valine.